The following is an entry in ClinVar:

ClinVar aggregate classification (germline): Uncertain significance (1 of 4 stars; one submission).

gnomAD v4.1: 1 of 1,613,544 alleles (0.000062%); highest among the groups gnomAD compares: Non-Finnish European, 0.000085%; no homozygotes.

Submission:

Mayo Clinic Laboratories, Mayo Clinic
Classification: Uncertain significance. Last evaluated: 2025-02-23. Review status: criteria provided, single submitter. Criteria: ACMG Guidelines, 2015. Collection method: clinical testing. Allele origin: germline. Observed: 2 variant alleles.
Comment: BP4

NM_001374736.1(DST):c.12843C>G (p.His4281Gln)

Gene: DST (dystonin; minus strand). Cytogenetic location: 6p12.1.
Variant type: single nucleotide variant.
Coding change: c.12843C>G on transcript NM_001374736.1 (MANE Select); coding-DNA position 12843, C replaced by G.
Protein change: p.His4281Gln; replaces histidine 4281 with glutamine.
Molecular consequence: missense variant.
Genome position (GRCh38, 1-based): chr6:56,592,242, G>C on the plus strand (C>G on the coding strand, the complement: DST is on the minus strand). VCF-style: chr6-56592242-G-C. GRCh37 (hg19) VCF-style: chr6-56457040-G-C.
Other names: p.His1658Gln; c.6486C>G, p.His2162Gln (NM_001144769.5); c.6072C>G, p.His2024Gln (NM_001144770.2); c.12843C>G, p.His4281Gln (NM_001374722.1); c.12210C>G, p.His4070Gln (NM_001374729.1); c.5952C>G, p.His1984Gln (NM_001374730.1, NM_001386100.1, NM_183380.4); c.12870C>G, p.His4290Gln (NM_001374734.1); c.4974C>G, p.His1658Gln (NM_015548.5); short protein forms H4281Q, H2162Q, H4290Q, H1658Q, H1984Q, H2024Q, H4070Q.
Identifiers: ClinVar variation 4541178 (VCV004541178.1).
Genomic context (GRCh38, chr6:56,592,242, plus strand): 5'-CTTGGTCTCTTCTAATTGCCTTTGAAGATTTTTGGGGTCCACCGCAATAGGTTCAGATAA[G>C]TGTTTGCTCGCTGTGGCCTCACAGGCCTGGAGTCCAGCAAGAAGTCCACATGAAGCATCT-3'
Protein context (NP_001361665.1, residues 4271-4291): LQACEATASK[His4281Gln]LSEPIAVDPK